The following is an entry in ClinVar:

ClinVar aggregate classification (germline): Likely benign. Review status: criteria provided, multiple submitters, no conflicts (2 of 4 stars). 3 submissions from 3 submitters: Likely benign (3). Last evaluated 2026-01-27.

Allele frequency attached by ClinVar (database versions not stated): gnomAD exomes 0.00004 and 0.00015; ExAC 0.00005; TOPMed 0.00023; gnomAD 0.00026 and 0.00029.
gnomAD v4.1: 107 of 1,555,510 alleles (0.0069%); highest among the groups gnomAD compares: Admixed American, 0.11%; no homozygotes.

Submissions (3):

Labcorp Genetics (formerly Invitae), Labcorp
Classification: Likely benign. Last evaluated: 2026-01-27. Review status: criteria provided, single submitter. Criteria: Invitae Variant Classification Sherloc (09022015). Collection method: clinical testing. Allele origin: germline.

CeGaT Center for Human Genetics Tuebingen
Classification: Likely benign. Last evaluated: 2025-10-01. Review status: criteria provided, single submitter. Criteria: CeGaT Center For Human Genetics Tuebingen Variant Classification Criteria Version 2. Collection method: clinical testing. Allele origin: germline. Affected: yes. Observed: 1 variant allele.
Comment: CLCN7: BP4, BP7

Blueprint Genetics
Classification: Likely benign. Last evaluated: 2023-08-15. Review status: criteria provided, single submitter. Criteria: ACMG Guidelines, 2015. Collection method: clinical testing. Allele origin: germline.

NM_001287.6(CLCN7):c.2118G>A (p.Leu706=)

Gene: CLCN7 (Cl-/H+ antiporter 7; minus strand). Cytogenetic location: 16p13.3.
Variant type: single nucleotide variant.
Coding change: c.2118G>A on transcript NM_001287.6 (MANE Select); coding-DNA position 2118, G replaced by A.
Protein change: p.Leu706=; no amino-acid change (leucine 706 retained).
Molecular consequence: synonymous variant.
Genome position (GRCh38, 1-based): chr16:1,447,524, C>T on the plus strand (G>A on the coding strand, the complement: CLCN7 is on the minus strand). VCF-style: chr16-1447524-C-T. GRCh37 (hg19) VCF-style: chr16-1497525-C-T.
Other names: c.2046G>A, p.Leu682= (NM_001114331.3).
Identifiers: ClinVar variation 1557583 (VCV001557583.15), dbSNP rs753505918, ClinGen allele CA7809910.